The following is an entry in ClinVar:

NM_016604.4(KDM3B):c.3298C>T (p.Pro1100Ser)

Gene: KDM3B (lysine demethylase 3B; plus strand). Cytogenetic location: 5q31.2.
Variant type: single nucleotide variant.
Coding change: c.3298C>T on transcript NM_016604.4 (MANE Select); coding-DNA position 3298, C replaced by T.
Protein change: p.Pro1100Ser; replaces proline 1100 with serine.
Molecular consequence: missense variant.
Genome position (GRCh38, 1-based): chr5:138,415,230, C>T. VCF-style: chr5-138415230-C-T. GRCh37 (hg19) VCF-style: chr5-137750919-C-T.
Other names: short protein forms P1100S.
Identifiers: ClinVar variation 2506806 (VCV002506806.1), dbSNP rs2480279546, ClinGen allele CA361085695.

ClinVar aggregate classification (germline): Uncertain significance (1 of 4 stars; one submission).

Submission:

GeneDx
Classification: Uncertain significance. Last evaluated: 2022-12-19. Review status: criteria provided, single submitter. Criteria: GeneDx Variant Classification Process June 2021. Collection method: clinical testing. Allele origin: germline. Affected: yes.
Comment: Not observed at significant frequency in large population cohorts (gnomAD); In silico analysis supports that this missense variant has a deleterious effect on protein structure/function; Has not been previously published in an individual with features of KDM3B-related disorder as pathogenic or benign to our knowledge; This variant is associated with the following publications: (PMID: 29631995)